The following is an entry in ClinVar:

ClinVar aggregate classification (germline): Uncertain significance (1 of 4 stars; one submission).

Allele frequency attached by ClinVar (database versions not stated): gnomAD 0.00002 and 0.00004; ExAC 0.00003; gnomAD exomes 0.00003 and 0.00004; TOPMed 0.00003; ESP Exome Variant Server 0.00008; 1000 Genomes Project 30x 0.00031; 1000 Genomes Project 0.00040.
gnomAD v4.1: 71 of 1,612,728 alleles (0.0044%); highest among the groups gnomAD compares: Non-Finnish European, 0.0052%; no homozygotes.

Submission:

Labcorp Genetics (formerly Invitae), Labcorp
Classification: Uncertain significance. Last evaluated: 2021-11-10. Review status: criteria provided, single submitter. Criteria: Invitae Variant Classification Sherloc (09022015). Collection method: clinical testing. Allele origin: germline.
Comment: In summary, the available evidence is currently insufficient to determine the role of this variant in disease. Therefore, it has been classified as a Variant of Uncertain Significance. Algorithms developed to predict the effect of missense changes on protein structure and function are either unavailable or do not agree on the potential impact of this missense change (SIFT: "Deleterious"; PolyPhen-2: "Probably Damaging"; Align-GVGD: "Class C0"). This variant has not been reported in the literature in individuals affected with ERBB2-related conditions. This variant is present in population databases (rs201021373, gnomAD 0.007%). This sequence change replaces threonine, which is neutral and polar, with methionine, which is neutral and non-polar, at codon 479 of the ERBB2 protein (p.Thr479Met).

NM_004448.4(ERBB2):c.1436C>T (p.Thr479Met)

Gene: ERBB2 (erb-b2 receptor tyrosine kinase 2; plus strand). Cytogenetic location: 17q12.
Variant type: single nucleotide variant.
Coding change: c.1436C>T on transcript NM_004448.4 (MANE Select); coding-DNA position 1436, C replaced by T.
Protein change: p.Thr479Met; replaces threonine 479 with methionine.
Molecular consequence: missense variant. On other transcripts: non-coding transcript variant (1), intron variant (1).
Genome position (GRCh38, 1-based): chr17:39,715,862, C>T. VCF-style: chr17-39715862-C-T. GRCh37 (hg19) VCF-style: chr17-37872115-C-T.
Other names: c.1346C>T, p.Thr449Met (NM_001005862.3, NM_001289938.2, NM_001382782.1 and 1 more transcripts); c.1391C>T, p.Thr464Met (NM_001289936.2); c.1436C>T, p.Thr479Met (NM_001289937.2, NM_001382785.1, NM_001382788.1 and 12 more transcripts); c.1553C>T, p.Thr518Met (NM_001382784.1, NM_001382786.1); c.1511C>T, p.Thr504Met (NM_001382787.1); c.1457C>T, p.Thr486Met (NM_001382789.1); c.1427C>T, p.Thr476Met (NM_001382791.1); c.1256C>T, p.Thr419Met (NM_001382799.1); and 3 more; short protein forms T393M, T486M, T203M, T476M, T479M, T504M, T449M, T464M.
Identifiers: ClinVar variation 1419554 (VCV001419554.4), dbSNP rs201021373, ClinGen allele CA8533981.
Genomic context (GRCh38, chr17:39,715,862, plus strand): 5'-GGGAACTGGGCAGTGGACTGGCCCTCATCCACCATAACACCCACCTCTGCTTCGTGCACA[C>T]GGTGCCCTGGGACCAGCTCTTTCGGAACCCGCACCAAGCTCTGCTCCACACTGCCAACCG-3'
Protein context (NP_004439.2, residues 469-489): HHNTHLCFVH[Thr479Met]VPWDQLFRNP